The following is an entry in ClinVar:

ClinVar aggregate classification (germline): Uncertain significance. Review status: criteria provided, multiple submitters, no conflicts (2 of 4 stars). 2 submissions from 2 submitters: Uncertain significance (2). Last evaluated 2025-08-05.

Conditions:
PGM1-related disorder. Also called: PGM1-related disorders; PGM1-related condition.
PGM1-congenital disorder of glycosylation. Also called: CDG It; Congenital disorder of glycosylation type 1t; PHOSPHOGLUCOMUTASE 1 DEFICIENCY; PGM1 DEFICIENCY; GLYCOGEN STORAGE DISEASE XIV; GSD XIV. Identifiers: Orphanet 319646, MedGen C2752015, MONDO:0013968, OMIM 614921.

Allele frequency attached by ClinVar (database versions not stated): gnomAD 0.00001; gnomAD exomes 0.00001; ExAC 0.00002; TOPMed 0.00003.

Submissions (2):

PreventionGenetics, part of Exact Sciences
Classification: Uncertain significance for PGM1-related condition. Last evaluated: 2025-08-05. Review status: criteria provided, single submitter. Criteria: ACMG Guidelines, 2015. Collection method: clinical testing. Allele origin: germline.
Comment: The PGM1 c.986G>A variant is predicted to result in the amino acid substitution p.Arg329His. To our knowledge, this variant has not been reported in the literature. This variant is reported in 0.0062% of alleles in individuals of African descent in gnomAD. At this time, the clinical significance of this variant is uncertain due to the absence of conclusive functional and genetic evidence.

Labcorp Genetics (formerly Invitae), Labcorp
Classification: Uncertain significance for PGM1-congenital disorder of glycosylation. Last evaluated: 2022-07-12. Review status: criteria provided, single submitter. Criteria: Invitae Variant Classification Sherloc (09022015). Collection method: clinical testing. Allele origin: germline.
Comment: This sequence change replaces arginine, which is basic and polar, with histidine, which is basic and polar, at codon 329 of the PGM1 protein (p.Arg329His). This variant is present in population databases (rs747394265, gnomAD 0.007%). This variant has not been reported in the literature in individuals affected with PGM1-related conditions. ClinVar contains an entry for this variant (Variation ID: 1417469). Algorithms developed to predict the effect of missense changes on protein structure and function output the following: SIFT: "Tolerated"; PolyPhen-2: "Benign"; Align-GVGD: "Class C0". The histidine amino acid residue is found in multiple mammalian species, which suggests that this missense change does not adversely affect protein function. In summary, the available evidence is currently insufficient to determine the role of this variant in disease. Therefore, it has been classified as a Variant of Uncertain Significance.

NM_002633.3(PGM1):c.986G>A (p.Arg329His)

Gene: PGM1 (phosphoglucomutase 1; plus strand). Cytogenetic location: 1p31.3.
Variant type: single nucleotide variant.
Coding change: c.986G>A on transcript NM_002633.3 (MANE Select); coding-DNA position 986, G replaced by A.
Protein change: p.Arg329His; replaces arginine 329 with histidine.
Molecular consequence: missense variant.
Genome position (GRCh38, 1-based): chr1:63,636,346, G>A. VCF-style: chr1-63636346-G-A. GRCh37 (hg19) VCF-style: chr1-64102017-G-A.
Other names: c.1040G>A, p.Arg347His (NM_001172818.1); c.395G>A, p.Arg132His (NM_001172819.2); c.986G>A (NM_002633.2); short protein forms R329H, R347H, R132H.
Identifiers: ClinVar variation 1417469 (VCV001417469.4), dbSNP rs747394265, ClinGen allele CA889675.